The following is an entry in ClinVar:

ClinVar aggregate classification (germline): Uncertain significance. Review status: criteria provided, multiple submitters, no conflicts (2 of 4 stars). 2 submissions from 2 submitters: Uncertain significance (2). Last evaluated 2024-11-13.

Allele frequency attached by ClinVar (database versions not stated): ExAC 0.00001; gnomAD 0.00001; TOPMed 0.00001.

Submissions (2):

Labcorp Genetics (formerly Invitae), Labcorp
Classification: Uncertain significance. Last evaluated: 2024-11-13. Review status: criteria provided, single submitter. Criteria: Invitae Variant Classification Sherloc (09022015). Collection method: clinical testing. Allele origin: germline.
Comment: This sequence change replaces cysteine, which is neutral and slightly polar, with tryptophan, which is neutral and slightly polar, at codon 407 of the BUB1 protein (p.Cys407Trp). This variant is present in population databases (rs774563610, gnomAD 0.004%). This variant has not been reported in the literature in individuals affected with BUB1-related conditions. ClinVar contains an entry for this variant (Variation ID: 1753313). Experimental studies and prediction algorithms are not available or were not evaluated, and the functional significance of this variant is currently unknown. In summary, the available evidence is currently insufficient to determine the role of this variant in disease. Therefore, it has been classified as a Variant of Uncertain Significance.

Ambry Genetics
Classification: Uncertain significance. Last evaluated: 2022-03-07. Review status: criteria provided, single submitter. Criteria: Ambry Variant Classification Scheme 2023. Collection method: clinical testing. Allele origin: germline.
Comment: The p.C407W variant (also known as c.1221T>G), located in coding exon 11 of the BUB1 gene, results from a T to G substitution at nucleotide position 1221. The cysteine at codon 407 is replaced by tryptophan, an amino acid with highly dissimilar properties. This amino acid position is conserved. In addition, this alteration is predicted to be tolerated by in silico analysis. Since supporting evidence is limited at this time, the clinical significance of this alteration remains unclear.

NM_004336.5(BUB1):c.1221T>G (p.Cys407Trp)

Gene: BUB1 (BUB1 mitotic checkpoint serine/threonine kinase; minus strand). Cytogenetic location: 2q13.
Variant type: single nucleotide variant.
Coding change: c.1221T>G on transcript NM_004336.5 (MANE Select); coding-DNA position 1221, T replaced by G.
Protein change: p.Cys407Trp; replaces cysteine 407 with tryptophan.
Molecular consequence: missense variant.
Genome position (GRCh38, 1-based): chr2:110,660,033, A>C on the plus strand (T>G on the coding strand, the complement: BUB1 is on the minus strand). VCF-style: chr2-110660033-A-C. GRCh37 (hg19) VCF-style: chr2-111417610-A-C.
Other names: c.1161T>G, p.Cys387Trp (NM_001278616.2); c.1221T>G, p.Cys407Trp (NM_001278617.2); short protein forms C387W, C407W.
Identifiers: ClinVar variation 1753313 (VCV001753313.4), dbSNP rs774563610, ClinGen allele CA1828130.
Genomic context (GRCh38, chr2:110,660,033, plus strand): 5'-ATTACCTTCTTTGATCTCTGCTCCACTCTGTGGCTTGAATTCATGAGTACTCTTATTCAC[A>C]CATCTGGAAGAGAAAACTCTTGAGACACACTAGAGAATAAAATGCTTGATCTAGGCTGGG-3'
Protein context (NP_004327.1, residues 397-417): MFAVASKDAG[Cys407Trp]VNKSTHEFKP